The following is an entry in ClinVar:

ClinVar aggregate classification (germline): Conflicting classifications of pathogenicity. Review status: criteria provided, conflicting classifications (1 of 4 stars). 4 submissions from 4 submitters: Uncertain significance (2); Likely benign (2). Last evaluated 2025-10-23.

Conditions:
Developmental and epileptic encephalopathy, 14 (DEE14). Also called: Early infantile epileptic encephalopathy 14. Identifiers: Orphanet 293181, MedGen C3554195, MONDO:0013989, OMIM 614959.
Autosomal dominant nocturnal frontal lobe epilepsy 5. Also called: CILIARY DYSKINESIA, PRIMARY, 28, WITHOUT SITUS INVERSUS; CILIARY DYSKINESIA, PRIMARY, 28, WITH SITUS INVERSUS; KCNT1-Related Epilepsy; Epilepsy, nocturnal frontal lobe, 5. Identifiers: Orphanet 98784, MedGen C3554306, MONDO:0014002, OMIM 615005.

Allele frequency attached by ClinVar (database versions not stated): ExAC 0.00002; gnomAD exomes 0.00002 and 0.00004; gnomAD 0.00003; TOPMed 0.00006; ESP Exome Variant Server 0.00008.
gnomAD v4.1: 50 of 1,613,366 alleles (0.0031%); highest among the groups gnomAD compares: Middle Eastern, 0.016%; no homozygotes.

Submissions (4):

Labcorp Genetics (formerly Invitae), Labcorp
Classification: Likely benign for Autosomal dominant nocturnal frontal lobe epilepsy 5; Developmental and epileptic encephalopathy, 14. Last evaluated: 2025-10-23. Review status: criteria provided, single submitter. Criteria: Invitae Variant Classification Sherloc (09022015). Collection method: clinical testing. Allele origin: germline.

CeGaT Center for Human Genetics Tuebingen
Classification: Likely benign. Last evaluated: 2023-03-01. Review status: criteria provided, single submitter. Criteria: CeGaT Center For Human Genetics Tuebingen Variant Classification Criteria Version 2. Collection method: clinical testing. Allele origin: germline. Affected: yes. Observed: 1 variant allele.
Comment: KCNT1: BP4, BP7

Eurofins Ntd Llc (ga)
Classification: Uncertain significance. Last evaluated: 2017-06-16. Review status: criteria provided, single submitter. Criteria: EGL Classification Definitions 2015. Collection method: clinical testing. Allele origin: germline. Observed: 1 variant allele, 1 heterozygote.

Center for Genomics, Ann and Robert H. Lurie Children's Hospital of Chicago
Classification: Uncertain significance for Developmental and epileptic encephalopathy, 14; Autosomal dominant nocturnal frontal lobe epilepsy 5. Review status: criteria provided, single submitter. Criteria: ACMG Guidelines, 2015. Collection method: clinical testing. Allele origin: germline.
Comment: KCNT1 NM_020822 exon 12 p.Thr370Thr (c.1110G>A): This variant has not been reported in the literature but is present in 4/17240 East Asian alleles in the Genome Aggregation Database. Evolutionary conservation and computational predictive tools for this variant are limited or unavailable. Of note, this variant is a silent variant and does not change the amino acid, reducing the probability that this variant is disease causing. In summary, data on this variant is insufficient for disease classification. Therefore, the clinical significance of this variant is uncertain.

NM_020822.3(KCNT1):c.1110G>A (p.Thr370=)

Gene: KCNT1 (potassium sodium-activated channel subfamily T member 1; plus strand). Cytogenetic location: 9q34.3.
Variant type: single nucleotide variant.
Coding change: c.1110G>A on transcript NM_020822.3 (MANE Select); coding-DNA position 1110, G replaced by A.
Protein change: p.Thr370=; no amino-acid change (threonine 370 retained).
Molecular consequence: synonymous variant.
Genome position (GRCh38, 1-based): chr9:135,765,105, G>A. VCF-style: chr9-135765105-G-A. GRCh37 (hg19) VCF-style: chr9-138656951-G-A.
Other names: c.975G>A, p.Thr325= (NM_001272003.2).
Identifiers: ClinVar variation 502633 (VCV000502633.47), dbSNP rs140367649, ClinGen allele CA5326774.
Genomic context (GRCh38, chr9:135,765,105, plus strand): 5'-CTACCTCTGGATGGAGCGGCAGAAGTCAGGGGGCAACTACAGCCGCCACCGTGCGCAGAC[G>A]GAGAAGCACGTGGTCCTGTGTGTCAGCTCCCTCAAGATCGACCTTCTCATGGACTTCCTG-3'
Protein context (NP_065873.2, residues 360-380): GGNYSRHRAQ[Thr370=]EKHVVLCVSS